The following is an entry in ClinVar:

NM_024757.5(EHMT1):c.199G>C (p.Ala67Pro)

Gene: EHMT1 (euchromatic histone lysine methyltransferase 1; plus strand). Cytogenetic location: 9q34.3.
Variant type: single nucleotide variant.
Coding change: c.199G>C on transcript NM_024757.5 (MANE Select); coding-DNA position 199, G replaced by C.
Protein change: p.Ala67Pro; replaces alanine 67 with proline.
Molecular consequence: missense variant.
Genome position (GRCh38, 1-based): chr9:137,716,739, G>C. VCF-style: chr9-137716739-G-C. GRCh37 (hg19) VCF-style: chr9-140611191-G-C.
Other names: c.199G>C, p.Ala67Pro (NM_001145527.2, NM_001354263.2, NM_001354611.2); c.106G>C, p.Ala36Pro (NM_001354259.2, NM_001354612.2); c.199G>C (NM_024757.4); short protein forms A36P, A67P.
Identifiers: ClinVar variation 1001649 (VCV001001649.9), dbSNP rs764527438, ClinGen allele CA5374213.

ClinVar aggregate classification (germline): Conflicting classifications of pathogenicity. Review status: criteria provided, conflicting classifications (1 of 4 stars). 2 submissions from 2 submitters: Uncertain significance (1); Benign (1). Last evaluated 2025-05-30.

Conditions:
Kleefstra syndrome 1 (KLEFS1). Identifiers: Orphanet 261494, MedGen C0795833, MONDO:0027407, OMIM 610253.

Allele frequency attached by ClinVar (database versions not stated): gnomAD 0.00001; TOPMed 0.00002.
gnomAD v4.1: 8 of 1,612,566 alleles (0.0005%); highest among the groups gnomAD compares: South Asian, 0.0022%; no homozygotes.

Submissions (2):

Labcorp Genetics (formerly Invitae), Labcorp
Classification: Benign for Kleefstra syndrome 1. Last evaluated: 2025-05-30. Review status: criteria provided, single submitter. Criteria: Invitae Variant Classification Sherloc (09022015). Collection method: clinical testing. Allele origin: germline.

GeneDx
Classification: Uncertain significance. Last evaluated: 2023-02-27. Review status: criteria provided, single submitter. Criteria: GeneDx Variant Classification Process June 2021. Collection method: clinical testing. Allele origin: germline. Affected: yes.
Comment: Not observed at significant frequency in large population cohorts (gnomAD); In silico analysis supports that this missense variant does not alter protein structure/function; Reported in the heterozygous state in an individual with autism, tonic-clonic seizures, and hyperactivity, and inherited from an unaffected parent (Abad et al., 2018); This variant is associated with the following publications: (PMID: 29794985)